The following is an entry in ClinVar:

NM_002653.5(PITX1):c.694G>A (p.Gly232Ser)

Gene: PITX1 (paired like homeodomain 1; minus strand). Cytogenetic location: 5q31.1.
Variant type: single nucleotide variant.
Coding change: c.694G>A on transcript NM_002653.5 (MANE Select); coding-DNA position 694, G replaced by A.
Protein change: p.Gly232Ser; replaces glycine 232 with serine.
Molecular consequence: missense variant.
Genome position (GRCh38, 1-based): chr5:135,029,030, C>T on the plus strand (G>A on the coding strand, the complement: PITX1 is on the minus strand). VCF-style: chr5-135029030-C-T. GRCh37 (hg19) VCF-style: chr5-134364720-C-T.
Other names: c.694G>A (NM_002653.4); short protein forms G232S.
Identifiers: ClinVar variation 1406694 (VCV001406694.7), dbSNP rs746291345, ClinGen allele CA3417560.
Genomic context (GRCh38, chr5:135,029,030, plus strand): 5'-AGGAGCCGGTGAGGTTGTTGATGTTGTTGAGGCCCGAGTTGGGCATGCCAGGCACGGCGC[C>T]TGGGCCCATGCTGGACGGCATGGTCATGGAGGAGATGGAGCTGGGTGCTGAGAACATGGA-3'
Protein context (NP_002644.4, residues 222-242): SMTMPSSMGP[Gly232Ser]AVPGMPNSGL

ClinVar aggregate classification (germline): Uncertain significance. Review status: criteria provided, multiple submitters, no conflicts (2 of 4 stars). 2 submissions from 2 submitters: Uncertain significance (2). Last evaluated 2022-07-26.

Allele frequency attached by ClinVar (database versions not stated): gnomAD 0.00001; gnomAD exomes 0.00001; ExAC 0.00002; TOPMed 0.00002.
gnomAD v4.1: 5 of 1,614,122 alleles (0.00031%); highest among the groups gnomAD compares: Admixed American, 0.0083%; no homozygotes.

Submissions (2):

Labcorp Genetics (formerly Invitae), Labcorp
Classification: Uncertain significance. Last evaluated: 2022-07-26. Review status: criteria provided, single submitter. Criteria: Invitae Variant Classification Sherloc (09022015). Collection method: clinical testing. Allele origin: germline.
Comment: In summary, the available evidence is currently insufficient to determine the role of this variant in disease. Therefore, it has been classified as a Variant of Uncertain Significance. Algorithms developed to predict the effect of missense changes on protein structure and function (SIFT, PolyPhen-2, Align-GVGD) all suggest that this variant is likely to be tolerated. ClinVar contains an entry for this variant (Variation ID: 1406694). This variant has not been reported in the literature in individuals affected with PITX1-related conditions. This variant is present in population databases (rs746291345, gnomAD 0.009%). This sequence change replaces glycine, which is neutral and non-polar, with serine, which is neutral and polar, at codon 232 of the PITX1 protein (p.Gly232Ser).

Ambry Genetics
Classification: Uncertain significance. Last evaluated: 2021-09-21. Review status: criteria provided, single submitter. Criteria: Ambry Variant Classification Scheme 2023. Collection method: clinical testing. Allele origin: germline.